The following is an entry in ClinVar:

ClinVar aggregate classification (germline): Pathogenic. Review status: criteria provided, multiple submitters, no conflicts (2 of 4 stars). 2 submissions from 2 submitters: Pathogenic (2). Last evaluated 2023-12-24.

Conditions:
Gorlin syndrome. Also called: Basal cell nevus syndrome; Nevoid Basal Cell Carcinoma Syndrome. Identifiers: Orphanet 377, MedGen C0004779, MONDO:0007187.
PTCH1-related disorder. Also called: PTCH1-related disorders; PTCH1-related condition.

Submissions (2):

Labcorp Genetics (formerly Invitae), Labcorp
Classification: Pathogenic for Gorlin syndrome. Last evaluated: 2023-12-24. Review status: criteria provided, single submitter. Criteria: Invitae Variant Classification Sherloc (09022015). Collection method: clinical testing. Allele origin: germline.
Comment: This sequence change creates a premature translational stop signal (p.Leu819Thrfs*10) in the PTCH1 gene. It is expected to result in an absent or disrupted protein product. Loss-of-function variants in PTCH1 are known to be pathogenic (PMID: 16301862, 16419085). This variant is not present in population databases (gnomAD no frequency). This premature translational stop signal has been observed in individual(s) with nevoid basal cell carcinoma syndrome. (PMID: 15565302). For these reasons, this variant has been classified as Pathogenic.

Blueprint Genetics
Classification: Pathogenic for PTCH1-related disorders. Last evaluated: 2021-10-22. Review status: criteria provided, single submitter. Criteria: ACMG Guidelines, 2015. Collection method: clinical testing. Allele origin: germline. Affected: yes. Observed: 1 variant allele.

Literature cited by the submitters: PubMed 16301862 (cited by Labcorp Genetics (formerly Invitae), Labcorp); PubMed 16419085 (cited by Labcorp Genetics (formerly Invitae), Labcorp); PubMed 15565302 (cited by Labcorp Genetics (formerly Invitae), Labcorp).

NM_000264.5(PTCH1):c.2454dup (p.Leu819fs)

Genes: PTCH1 (patched 1; minus strand), LOC100507346 (uncharacterized LOC100507346; plus strand). Cytogenetic location: 9q22.32.
Variant type: Duplication.
Coding change: c.2454dup on transcript NM_000264.5 (MANE Select); coding-DNA position 2454, one base duplicated (A; older notation c.2454dupA).
Protein change: p.Leu819fs; shifts the reading frame from leucine 819.
Molecular consequence: frameshift variant. On other transcripts: non-coding transcript variant (1).
Genome position (GRCh38, 1-based): chr9:95,467,222, T duplicated on the plus strand (A on the coding strand, the reverse complement: PTCH1 is on the minus strand). VCF-style (leftmost placement, unchanged base first): chr9-95467221-G-GT. GRCh37 (hg19) VCF-style: chr9-98229503-G-GT.
Other names: c.2256dup, p.Leu753fs (NM_001083602.3); c.2451dup, p.Leu818fs (NM_001083603.3); c.2001dup, p.Leu668fs (NM_001083604.3, NM_001083605.3, NM_001083606.3 and 1 more transcripts); c.2298dup, p.Leu767fs (NM_001354918.2); short protein forms L668fs, L767fs, L818fs, L819fs, L753fs.
Identifiers: ClinVar variation 2735286 (VCV002735286.4), dbSNP rs2538130444, ClinGen allele CA645567434.